The following is an entry in ClinVar:

ClinVar aggregate classification (germline): Uncertain significance (1 of 4 stars; one submission).

Allele frequency attached by ClinVar (database versions not stated): ExAC 0.00001; gnomAD 0.00001; gnomAD exomes 0.00002; TOPMed 0.00002.
gnomAD v4.1: 25 of 1,209,754 alleles (0.0021%); highest among the groups gnomAD compares: Non-Finnish European, 0.0028%; no homozygotes.

Submission:

Labcorp Genetics (formerly Invitae), Labcorp
Classification: Uncertain significance. Last evaluated: 2022-10-27. Review status: criteria provided, single submitter. Criteria: Invitae Variant Classification Sherloc (09022015). Collection method: clinical testing. Allele origin: germline.
Comment: In summary, the available evidence is currently insufficient to determine the role of this variant in disease. Therefore, it has been classified as a Variant of Uncertain Significance. Algorithms developed to predict the effect of missense changes on protein structure and function (SIFT, PolyPhen-2, Align-GVGD) all suggest that this variant is likely to be disruptive. This variant has not been reported in the literature in individuals affected with DRP2-related conditions. This variant is present in population databases (rs773611850, gnomAD 0.001%). This sequence change replaces tyrosine, which is neutral and polar, with cysteine, which is neutral and slightly polar, at codon 651 of the DRP2 protein (p.Tyr651Cys).

NM_001939.3(DRP2):c.1952A>G (p.Tyr651Cys)

Gene: DRP2 (dystrophin related protein 2; plus strand). Cytogenetic location: Xq22.1.
Variant type: single nucleotide variant.
Coding change: c.1952A>G on transcript NM_001939.3 (MANE Select); coding-DNA position 1952, A replaced by G.
Protein change: p.Tyr651Cys; replaces tyrosine 651 with cysteine.
Molecular consequence: missense variant.
Genome position (GRCh38, 1-based): chrX:101,252,691, A>G. VCF-style: chrX-101252691-A-G. GRCh37 (hg19) VCF-style: chrX-100507680-A-G.
Other names: c.1718A>G, p.Tyr573Cys (NM_001171184.2); short protein forms Y573C, Y651C.
Identifiers: ClinVar variation 2896317 (VCV002896317.3), dbSNP rs773611850, ClinGen allele CA10472370.
Genomic context (GRCh38, chrX:101,252,691, plus strand): 5'-TTGACATCTGCCAGACCTGCTTCTTGACAGGCAGGGCCAGCAAAGGCAATAAGCTGCACT[A>G]CCCCATCATGGAGTATTACACACCGGTATGAAGCCTCCAGGCTGGGTGGGAGGGTTAGGC-3'
Protein context (NP_001930.2, residues 641-661): GRASKGNKLH[Tyr651Cys]PIMEYYTPTT